The following is an entry in ClinVar:

ClinVar aggregate classification (germline): Conflicting classifications of pathogenicity. Review status: criteria provided, conflicting classifications (1 of 4 stars). 6 submissions from 6 submitters: Likely pathogenic (3); Uncertain significance (3). Last evaluated 2026-07-24.

Conditions:
MCADD - Medium-chain acyl-CoA dehydrogenase deficiency – full ACADM sequencing newborn screening follow up.
Medium-chain acyl-coenzyme A dehydrogenase deficiency (ACADMD). Also called: MCADD; CARNITINE DEFICIENCY SECONDARY TO MEDIUM-CHAIN ACYL-CoA DEHYDROGENASE DEFICIENCY; MCADH DEFICIENCY; Medium chain acyl-CoA dehydrogenase deficiency; MCAD Deficiency; ACADM DEFICIENCY. Identifiers: Orphanet 42, MedGen C0220710, MONDO:0008721, OMIM 201450.

Allele frequency attached by ClinVar (database versions not stated): ExAC 0.00001; gnomAD 0.00001; gnomAD exomes 0.00001 and 0.00002.
gnomAD v4.1: 9 of 1,613,818 alleles (0.00056%); highest among the groups gnomAD compares: Admixed American, 0.0067%; no homozygotes.

Submissions (6):

Myriad Genetics, Inc.
Classification: Uncertain significance for Medium-chain acyl-coenzyme A dehydrogenase deficiency. Last evaluated: 2026-07-24. Review status: criteria provided, single submitter. Criteria: Myriad Autosomal Dominant, Autosomal Recessive and X-Linked Classification Criteria (2023). Collection method: clinical testing. Allele origin: unknown.
Comment: NM_000016.4(ACADM):c.659C>T(T220I) is a missense variant classified as a variant of uncertain significance in the context of medium-chain acyl-CoA dehydrogenase deficiency. T220I has been observed in cases with relevant disease (PMID: 20036593, 20434380, 33580884). Relevant functional assessments of this variant are not available in the literature. T220I has been observed in referenced population frequency databases. In summary, there is insufficient evidence to classify NM_000016.4(ACADM):c.659C>T(T220I) as pathogenic or benign. Please note: this variant was assessed in the context of healthy population screening.

Labcorp Genetics (formerly Invitae), Labcorp
Classification: Likely pathogenic for Medium-chain acyl-coenzyme A dehydrogenase deficiency. Last evaluated: 2025-11-27. Review status: criteria provided, single submitter. Criteria: Invitae Variant Classification Sherloc (09022015). Collection method: clinical testing. Allele origin: germline.
Comment: This sequence change replaces threonine, which is neutral and polar, with isoleucine, which is neutral and non-polar, at codon 220 of the ACADM protein (p.Thr220Ile). This variant is present in population databases (rs766249735, gnomAD 0.01%). This missense change has been observed in individual(s) with MCAD deficiency (PMID: 20036593, 20434380, 33580884). ClinVar contains an entry for this variant (Variation ID: 282899). Invitae Evidence Modeling of protein sequence and biophysical properties (such as structural, functional, and spatial information, amino acid conservation, physicochemical variation, residue mobility, and thermodynamic stability) has been performed for this missense variant. However, the output from this modeling did not meet the statistical confidence thresholds required to predict the impact of this variant on ACADM protein function. This variant disrupts the p.Thr220 amino acid residue in ACADM. Other variant(s) that disrupt this residue have been determined to be pathogenic (internal data). This suggests that this residue is clinically significant, and that variants that disrupt this residue are likely to be disease-causing. In summary, the currently available evidence indicates that the variant is pathogenic, but additional data are needed to prove that conclusively. Therefore, this variant has been classified as Likely Pathogenic.

Natera, Inc.
Classification: Likely pathogenic for Medium Chain Acyl-CoA Dehydrogenase Deficiency. Last evaluated: 2025-11-07. Review status: criteria provided, single submitter. Criteria: Natera Variant Classification Schema (03/2026). Collection method: clinical testing. Allele origin: germline.
Comment: The c.659C>T variant in ACADM is a missense variant predicted to cause substitution of threonine to isoleucine at amino acid 220. This variant is rare in the general population with a frequency below the threshold expected for the associated phenotype(s). This variant has been observed in one or more individuals affected with the associated recessive disease, as either homozygous or compound heterozygous with a second variant (PMID: 33580884, 20434380, 20036593). Given the available evidence, this variant is classified as Likely Pathogenic.

Genetics Laboratory, Great Ormond Street Hospital NHS Foundation Trust, North Thames Genomic Laboratory Hub
Classification: Likely pathogenic for MCADD - Medium-chain acyl-CoA dehydrogenase deficiency – full ACADM sequencing newborn screening follow up. Last evaluated: 2025-10-03. Review status: criteria provided, single submitter. Criteria: ACGS Best Practice Guidelines for Variant Classification in Rare Disease 2024 v1.2. Collection method: clinical testing. Allele origin: germline. Affected: yes.
Comment: PM2_moderate, PP3_supporting, PM3_moderate, PP4_moderate

GeneDx
Classification: Uncertain significance. Last evaluated: 2024-05-01. Review status: criteria provided, single submitter. Criteria: GeneDx Variant Classification Process June 2021. Collection method: clinical testing. Allele origin: germline. Affected: yes.
Comment: Not observed at significant frequency in large population cohorts (gnomAD); In silico analysis supports that this missense variant has a deleterious effect on protein structure/function; This variant is associated with the following publications: (PMID: 32778825, 33580884, 20434380, 20036593)

Eurofins Ntd Llc (ga)
Classification: Uncertain significance. Last evaluated: 2015-09-14. Review status: criteria provided, single submitter. Criteria: EGL Classification Definitions 2015. Collection method: clinical testing. Allele origin: germline. Observed: 1 variant allele, 1 heterozygote.

Literature cited by the submitters: PubMed 20036593 (cited by 3 submitters); PubMed 20434380 (cited by 3 submitters); PubMed 33580884 (cited by 3 submitters).

NM_000016.6(ACADM):c.659C>T (p.Thr220Ile)

Gene: ACADM (acyl-CoA dehydrogenase medium chain; plus strand). Cytogenetic location: 1p31.1.
Variant type: single nucleotide variant.
Coding change: c.659C>T on transcript NM_000016.6 (MANE Select); coding-DNA position 659, C replaced by T.
Protein change: p.Thr220Ile; replaces threonine 220 with isoleucine.
Molecular consequence: missense variant.
Genome position (GRCh38, 1-based): chr1:75,745,865, C>T. VCF-style: chr1-75745865-C-T. GRCh37 (hg19) VCF-style: chr1-76211550-C-T.
Other names: c.659C>T (NM_000016.5, NM_000016.4); c.671C>T, p.Thr224Ile (NM_001127328.3); c.551C>T, p.Thr184Ile (NM_001286042.2); c.758C>T, p.Thr253Ile (NM_001286043.2); c.92C>T, p.Thr31Ile (NM_001286044.2); short protein forms T220I, T184I, T224I, T31I, T253I.
Identifiers: ClinVar variation 282899 (VCV000282899.13), dbSNP rs766249735, ClinGen allele CA913167.